The following is an entry in ClinVar:

NM_199189.2(MATR3):c.-643A>G

Gene: MATR3 (matrin 3; plus strand). Cytogenetic location: 5q31.2.
Variant type: single nucleotide variant.
Coding change: c.-643A>G on transcript NM_199189.2; 643 bases upstream of the start codon, A replaced by G.
Genome position (GRCh38, 1-based): chr5:139,273,887, A>G. VCF-style: chr5-139273887-A-G. GRCh37 (hg19) VCF-style: chr5-138609576-A-G.
Identifiers: ClinVar variation 351110 (VCV000351110.7), dbSNP rs765907489, ClinGen allele CA3432743.

ClinVar aggregate classification (germline): Benign (1 of 4 stars; one submission).

Conditions:
Amyotrophic lateral sclerosis type 21. Also called: VOCAL CORD AND PHARYNGEAL DYSFUNCTION WITH DISTAL MYOPATHY; MYOPATHY, DISTAL, 2. Identifiers: Orphanet 600, Orphanet 803, MedGen C3807521, MONDO:0011632, OMIM 606070.

Allele frequency attached by ClinVar (database versions not stated): ExAC 0.00028; gnomAD exomes 0.00003 and 0.00001.

Submission:

Illumina Laboratory Services, Illumina
Classification: Benign for Amyotrophic lateral sclerosis type 21. Last evaluated: 2018-01-13. Review status: criteria provided, single submitter. Criteria: ICSL Variant Classification Criteria 13 December 2019. Collection method: clinical testing. Allele origin: germline.
Comment: This variant was observed in the ICSL laboratory as part of a predisposition screen in an ostensibly healthy population. It had not been previously curated by ICSL or reported in the Human Gene Mutation Database (HGMD: prior to June 1st, 2018), and was therefore a candidate for classification through an automated scoring system. Utilizing variant allele frequency, disease prevalence and penetrance estimates, and inheritance mode, an automated score was calculated to assess if this variant is too frequent to cause the disease. Based on the score and internal cut-off values, a variant classified as benign is not then subjected to further curation. The score for this variant resulted in a classification of benign for this disease.